The following is an entry in ClinVar:

NM_173591.7:c.853_4861-42del

Gene: OTOGL (otogelin like; plus strand).
Variant type: Deletion.
Other names: c.853_4861-42del (NM_173591.7).
Identifiers: ClinVar variation 4526721 (VCV004526721.1).

ClinVar aggregate classification (germline): Pathogenic (1 of 4 stars; one submission).

Submission:

Centre for Clinical Genetics and Genomic Diagnostics, Zealand University Hospital
Classification: Pathogenic. Last evaluated: 2025-02-28. Review status: criteria provided, single submitter. Criteria: ACMG Guidelines, 2015. Collection method: clinical testing. Allele origin: germline. Affected: yes.
Comment: Compound heterozygous